The following is an entry in ClinVar:

NM_004655.4(AXIN2):c.28C>T (p.Leu10Phe)

Gene: AXIN2 (axin 2; minus strand). Cytogenetic location: 17q24.1.
Variant type: single nucleotide variant.
Coding change: c.28C>T on transcript NM_004655.4 (MANE Select); coding-DNA position 28, C replaced by T.
Protein change: p.Leu10Phe; replaces leucine 10 with phenylalanine.
Molecular consequence: missense variant.
Genome position (GRCh38, 1-based): chr17:65,558,593, G>A on the plus strand (C>T on the coding strand, the complement: AXIN2 is on the minus strand). VCF-style: chr17-65558593-G-A. GRCh37 (hg19) VCF-style: chr17-63554711-G-A.
Other names: c.28C>T, p.Leu10Phe (NM_001363813.1); short protein forms L10F.
Identifiers: ClinVar variation 1797420 (VCV001797420.5), dbSNP rs2044312459, ClinGen allele CA400682449.

ClinVar aggregate classification (germline): Uncertain significance. Review status: criteria provided, multiple submitters, no conflicts (2 of 4 stars). 2 submissions from 2 submitters: Uncertain significance (2). Last evaluated 2025-09-03.

Conditions:
Hereditary cancer-predisposing syndrome. Also called: Neoplastic Syndromes, Hereditary; Tumor predisposition; Hereditary Cancer Syndrome; Hereditary neoplastic syndrome. Identifiers: Orphanet 140162, MedGen C0027672, MeSH D009386, MONDO:0015356.
Oligodontia-cancer predisposition syndrome. Also called: TOOTH AGENESIS-COLORECTAL CANCER SYNDROME. Identifiers: Orphanet 300576, MedGen C1837750, MONDO:0012075, OMIM 608615. Disease mechanism: loss of function.

Allele frequency attached by ClinVar (database versions not stated): TOPMed below 0.00001.

Submissions (2):

Labcorp Genetics (formerly Invitae), Labcorp
Classification: Uncertain significance for Oligodontia-cancer predisposition syndrome. Last evaluated: 2025-09-03. Review status: criteria provided, single submitter. Criteria: Invitae Variant Classification Sherloc (09022015). Collection method: clinical testing. Allele origin: germline.
Comment: This sequence change replaces leucine, which is neutral and non-polar, with phenylalanine, which is neutral and non-polar, at codon 10 of the AXIN2 protein (p.Leu10Phe). This variant is not present in population databases (gnomAD no frequency). This variant has not been reported in the literature in individuals affected with AXIN2-related conditions. ClinVar contains an entry for this variant (Variation ID: 1797420). An algorithm developed to predict the effect of missense changes on protein structure and function (PolyPhen-2) suggests that this variant is likely to be disruptive. Experimental studies have shown that this missense change affects AXIN2 function (PMID: 30760879). In summary, the available evidence is currently insufficient to determine the role of this variant in disease. Therefore, it has been classified as a Variant of Uncertain Significance.

Ambry Genetics
Classification: Uncertain significance for Hereditary cancer-predisposing syndrome. Last evaluated: 2021-10-25. Review status: criteria provided, single submitter. Criteria: Ambry Variant Classification Scheme 2023. Collection method: clinical testing. Allele origin: germline.
Comment: The p.L10F variant (also known as c.28C>T), located in coding exon 1 of the AXIN2 gene, results from a C to T substitution at nucleotide position 28. The leucine at codon 10 is replaced by phenylalanine, an amino acid with highly similar properties. This amino acid position is well conserved in available vertebrate species. In addition, this alteration is predicted to be tolerated by in silico analysis. Since supporting evidence is limited at this time, the clinical significance of this alteration remains unclear.

Literature cited by the submitters: PubMed 30760879 (cited by Labcorp Genetics (formerly Invitae), Labcorp).